The following is an entry in ClinVar:

NM_001264.5(CDSN):c.156C>A (p.Asn52Lys)

Genes: CDSN (corneodesmosin; minus strand), PSORS1C1 (psoriasis susceptibility 1 candidate 1; plus strand). Cytogenetic location: 6p21.33.
Variant type: single nucleotide variant.
Coding change: c.156C>A on transcript NM_001264.5 (MANE Select); coding-DNA position 156, C replaced by A.
Protein change: p.Asn52Lys; replaces asparagine 52 with lysine.
Molecular consequence: missense variant. On other transcripts: intron variant (1).
Genome position (GRCh38, 1-based): chr6:31,117,459, G>T on the plus strand (C>A on the coding strand, the complement: CDSN is on the minus strand). VCF-style: chr6-31117459-G-T. GRCh37 (hg19) VCF-style: chr6-31085236-G-T.
Other names: c.-229+2568G>T (NM_014068.3); short protein forms N52K.
Identifiers: ClinVar variation 3626029 (VCV003626029.2).
Genomic context (GRCh38, chr6:31,117,459, plus strand): 5'-GCTGGAGCCACTGTAGCTACTGAAACCGCTGGAGTCACCCTTCCCAGTGAGGCAGGGGTC[G>T]TTAGGGGAGGTGATACGCGTGGGGTCCTTACAAGGGTCTGAGAAGGTGCCAATGCTCTTA-3'
Protein context (NP_001255.4, residues 42-62): CKDPTRITSP[Asn52Lys]DPCLTGKGDS

ClinVar aggregate classification (germline): Uncertain significance (1 of 4 stars; one submission).

Submission:

Labcorp Genetics (formerly Invitae), Labcorp
Classification: Uncertain significance. Last evaluated: 2024-04-13. Review status: criteria provided, single submitter. Criteria: Invitae Variant Classification Sherloc (09022015). Collection method: clinical testing. Allele origin: germline.
Comment: This sequence change replaces asparagine, which is neutral and polar, with lysine, which is basic and polar, at codon 52 of the CDSN protein (p.Asn52Lys). This variant is not present in population databases (gnomAD no frequency). This variant has not been reported in the literature in individuals affected with CDSN-related conditions. Advanced modeling of protein sequence and biophysical properties (such as structural, functional, and spatial information, amino acid conservation, physicochemical variation, residue mobility, and thermodynamic stability) performed at Invitae indicates that this missense variant is not expected to disrupt CDSN protein function with a negative predictive value of 80%. In summary, the available evidence is currently insufficient to determine the role of this variant in disease. Therefore, it has been classified as a Variant of Uncertain Significance.